The following is an entry in ClinVar:

NM_001903.5(CTNNA1):c.1748-3C>T

Gene: CTNNA1 (catenin alpha 1; plus strand). Cytogenetic location: 5q31.2.
Variant type: single nucleotide variant.
Coding change: c.1748-3C>T on transcript NM_001903.5 (MANE Select); 3 bases into the intron before coding-DNA position 1748, C replaced by T.
Molecular consequence: intron variant.
Genome position (GRCh38, 1-based): chr5:138,925,253, C>T. VCF-style: chr5-138925253-C-T. GRCh37 (hg19) VCF-style: chr5-138260942-C-T.
Other names: c.1748-3C>T (NM_001323982.2, NM_001323984.2, NM_001290307.3 and 2 more transcripts); c.1655-3C>T (NM_001323986.2); c.1379-3C>T (NM_001290310.3); c.1439-3C>T (NM_001290309.3); c.638-3C>T (NM_001323996.1, NM_001323993.1, NM_001324005.1 and 17 more transcripts); c.299-3C>T (NM_001324007.1, NM_001324009.1, NM_001324006.1 and 2 more transcripts); c.395-3C>T (NM_001324013.1, NM_001324012.1); c.545-3C>T (NM_001324011.1).
Identifiers: ClinVar variation 935380 (VCV000935380.9), dbSNP rs1763762459, ClinGen allele CA1139659074.

ClinVar aggregate classification (germline): Uncertain significance (1 of 4 stars; one submission).

Submission:

Labcorp Genetics (formerly Invitae), Labcorp
Classification: Uncertain significance. Last evaluated: 2019-07-24. Review status: criteria provided, single submitter. Criteria: Invitae Variant Classification Sherloc (09022015). Collection method: clinical testing. Allele origin: germline.
Comment: In summary, the available evidence is currently insufficient to determine the role of this variant in disease. Therefore, it has been classified as a Variant of Uncertain Significance. Nucleotide substitutions within the consensus splice site are a relatively common cause of aberrant splicing (PMID: 17576681, 9536098). Algorithms developed to predict the effect of sequence changes on RNA splicing suggest that this variant is not likely to affect RNA splicing, but this prediction has not been confirmed by published transcriptional studies. This variant has not been reported in the literature in individuals with CTNNA1-related conditions. This variant is not present in population databases (ExAC no frequency). This sequence change falls in intron 12 of the CTNNA1 gene. It does not directly change the encoded amino acid sequence of the CTNNA1 protein, but it affects a nucleotide within the consensus splice site of the intron.

Literature cited by the submitters: PubMed 17576681; PubMed 9536098.